The following is an entry in ClinVar:

ClinVar aggregate classification (germline): Uncertain significance (1 of 4 stars; one submission).

Conditions:
Inborn genetic diseases. Identifiers: MedGen C0950123, MeSH D030342.

Submission:

Ambry Genetics
Classification: Uncertain significance for Inborn genetic diseases. Last evaluated: 2025-02-08. Review status: criteria provided, single submitter. Criteria: Ambry Variant Classification Scheme 2023. Collection method: clinical testing. Allele origin: germline.
Comment: The p.P225T variant (also known as c.673C>A), located in coding exon 6 of the FANCG gene, results from a C to A substitution at nucleotide position 673. The proline at codon 225 is replaced by threonine, an amino acid with highly similar properties. This amino acid position is conserved. In addition, this alteration is predicted to be tolerated by in silico analysis. Based on the available evidence, the clinical significance of this variant remains unclear.

NM_004629.2(FANCG):c.673C>A (p.Pro225Thr)

Gene: FANCG (FA complementation group G; minus strand). Cytogenetic location: 9p13.3.
Variant type: single nucleotide variant.
Coding change: c.673C>A on transcript NM_004629.2 (MANE Select); coding-DNA position 673, C replaced by A.
Protein change: p.Pro225Thr; replaces proline 225 with threonine.
Molecular consequence: missense variant.
Genome position (GRCh38, 1-based): chr9:35,077,075, G>T on the plus strand (C>A on the coding strand, the complement: FANCG is on the minus strand). VCF-style: chr9-35077075-G-T. GRCh37 (hg19) VCF-style: chr9-35077072-G-T.
Other names: short protein forms P225T.
Identifiers: ClinVar variation 3848437 (VCV003848437.1).